The following is an entry in ClinVar:

NM_018714.3(COG1):c.2231A>G (p.Tyr744Cys)

Genes: COG1 (component of oligomeric golgi complex 1; plus strand), LOC125316790 (Sharpr-MPRA regulatory region 2581; plus strand). Cytogenetic location: 17q25.1.
Variant type: single nucleotide variant.
Coding change: c.2231A>G on transcript NM_018714.3 (MANE Select); coding-DNA position 2231, A replaced by G.
Protein change: p.Tyr744Cys; replaces tyrosine 744 with cysteine.
Molecular consequence: missense variant.
Genome position (GRCh38, 1-based): chr17:73,203,642, A>G. VCF-style: chr17-73203642-A-G. GRCh37 (hg19) VCF-style: chr17-71199781-A-G.
Other names: short protein forms Y744C.
Identifiers: ClinVar variation 702106 (VCV000702106.36), dbSNP rs7208207, ClinGen allele CA8740408.

ClinVar aggregate classification (germline): Benign. Review status: criteria provided, multiple submitters, no conflicts (2 of 4 stars). 3 submissions from 3 submitters: Benign (3). Last evaluated 2026-02-01.

Conditions:
COG1 congenital disorder of glycosylation (CDG2G). Also called: CONGENITAL DISORDER OF GLYCOSYLATION, TYPE IIg; CDG IIg; CDGII/COG1 CEREBROCOSTOMANDIBULAR-LIKE SYNDROME. Identifiers: Orphanet 263508, MedGen C2931011, MONDO:0012637, OMIM 611209.

Allele frequency attached by ClinVar (database versions not stated): gnomAD exomes 0.00045 and 0.00109; ExAC 0.00133; ESP Exome Variant Server 0.00415; gnomAD 0.00417 and 0.00447; 1000 Genomes Project 30x 0.00437; 1000 Genomes Project 0.00459; TOPMed 0.00466.

Submissions (3):

Labcorp Genetics (formerly Invitae), Labcorp
Classification: Benign for COG1 congenital disorder of glycosylation. Last evaluated: 2026-02-01. Review status: criteria provided, single submitter. Criteria: Invitae Variant Classification Sherloc (09022015). Collection method: clinical testing. Allele origin: germline.

CeGaT Center for Human Genetics Tuebingen
Classification: Benign. Last evaluated: 2023-05-01. Review status: criteria provided, single submitter. Criteria: CeGaT Center For Human Genetics Tuebingen Variant Classification Criteria Version 2. Collection method: clinical testing. Allele origin: germline. Affected: yes. Observed: 1 variant allele.
Comment: COG1: BS1, BS2

Breakthrough Genomics
Classification: Benign. Review status: criteria provided, single submitter. Criteria: ACMG Guidelines, 2015. Collection method: not provided. Allele origin: germline. Inheritance: Autosomal recessive inheritance. Affected: yes.